The following is an entry in ClinVar:

NM_001197104.2(KMT2A):c.9995G>T (p.Gly3332Val)

Gene: KMT2A (lysine methyltransferase 2A; plus strand). Cytogenetic location: 11q23.3.
Variant type: single nucleotide variant.
Coding change: c.9995G>T on transcript NM_001197104.2 (MANE Select); coding-DNA position 9995, G replaced by T.
Protein change: p.Gly3332Val; replaces glycine 3332 with valine.
Molecular consequence: missense variant.
Genome position (GRCh38, 1-based): chr11:118,505,887, G>T. VCF-style: chr11-118505887-G-T. GRCh37 (hg19) VCF-style: chr11-118376602-G-T.
Other names: c.10085G>T, p.Gly3362Val (NM_001412597.1); c.9986G>T, p.Gly3329Val (NM_005933.4); short protein forms G3329V, G3332V, G3362V.
Identifiers: ClinVar variation 2712149 (VCV002712149.3), dbSNP rs2134409278, ClinGen allele CA382822432.
Genomic context (GRCh38, chr11:118,505,887, plus strand): 5'-CTGCTGCCACAGCGGCAGGCACATCAACAATAAGCCAGGATACTAGCCACCTCACATCAG[G>T]GTCTGTGTCTGGCTTGGCATCCAGTTCCTCTGTCTTGAATGTTGTATCCATGCAAACTAC-3'
Protein context (NP_001184033.1, residues 3322-3342): ISQDTSHLTS[Gly3332Val]SVSGLASSSS

ClinVar aggregate classification (germline): Uncertain significance (1 of 4 stars; one submission).

Submission:

Labcorp Genetics (formerly Invitae), Labcorp
Classification: Uncertain significance. Last evaluated: 2024-01-31. Review status: criteria provided, single submitter. Criteria: Invitae Variant Classification Sherloc (09022015). Collection method: clinical testing. Allele origin: germline.
Comment: This sequence change replaces glycine, which is neutral and non-polar, with valine, which is neutral and non-polar, at codon 3332 of the KMT2A protein (p.Gly3332Val). This variant is not present in population databases (gnomAD no frequency). This variant has not been reported in the literature in individuals affected with KMT2A-related conditions. Advanced modeling of protein sequence and biophysical properties (such as structural, functional, and spatial information, amino acid conservation, physicochemical variation, residue mobility, and thermodynamic stability) performed at Invitae indicates that this missense variant is not expected to disrupt KMT2A protein function with a negative predictive value of 95%. In summary, the available evidence is currently insufficient to determine the role of this variant in disease. Therefore, it has been classified as a Variant of Uncertain Significance.